The following is an entry in ClinVar:

ClinVar aggregate classification (germline): Likely pathogenic (0 of 4 stars; one submission).

Conditions:
VPS13B-related disorder. Also called: VPS13B-related condition.

Submission:

PreventionGenetics, part of Exact Sciences
Classification: Likely pathogenic for VPS13B-related condition. Last evaluated: 2024-02-27. Review status: no assertion criteria provided. Collection method: clinical testing. Allele origin: germline.
Comment: The VPS13B c.4746delG variant is predicted to result in a frameshift and premature protein termination (p.Arg1583Glufs*3). Using an alternate transcript (NM_017890) this variant is also referred to as c.4821del (p.Arg1608Glusfs*3). To our knowledge, this variant has not been reported in the literature or in a large population database, indicating this variant is rare. Frameshift variants in VPS13B are expected to be pathogenic. This variant is interpreted as likely pathogenic.

NM_152564.4(VPS13B):c.4746delG

Gene: VPS13B (vacuolar protein sorting 13 homolog B; plus strand). Cytogenetic location: 8q22.2.
Variant type: Deletion.
Coding change: c.4746delG on transcript NM_152564.4; coding-DNA position 4746, one base deleted (G).
Genome position (GRCh38, 1-based): chr8:99,556,450, G deleted; the last of 2 consecutive G bases (chr8:99,556,449-99,556,450); deleting either gives the same sequence. VCF-style (leftmost placement, unchanged base first): chr8-99556448-AG-A. GRCh37 (hg19) VCF-style: chr8-100568676-AG-A.
Identifiers: ClinVar variation 3348137 (VCV003348137.1).